The following is an entry in ClinVar:

ClinVar aggregate classification (germline): Uncertain significance. Review status: criteria provided, multiple submitters, no conflicts (2 of 4 stars). 2 submissions from 2 submitters: Uncertain significance (2). Last evaluated 2024-09-24.

Conditions:
Dilated cardiomyopathy 1G (CMD1G). Identifiers: Orphanet 154, MedGen C1858763, MONDO:0011400, OMIM 604145.
Autosomal recessive limb-girdle muscular dystrophy type 2J (LGMDR10). Also called: Limb-girdle muscular dystrophy, type 2J; MUSCULAR DYSTROPHY, LIMB-GIRDLE, AUTOSOMAL RECESSIVE 10. Identifiers: Orphanet 140922, MedGen C1837342, MONDO:0012127, OMIM 608807.

Allele frequency attached by ClinVar (database versions not stated): TOPMed below 0.00001; gnomAD 0.00001.
gnomAD v4.1: 2 of 1,613,856 alleles (0.00012%); highest among the groups gnomAD compares: Non-Finnish European, 0.00017%; no homozygotes.

Submissions (2):

Mayo Clinic Laboratories, Mayo Clinic
Classification: Uncertain significance. Last evaluated: 2024-09-24. Review status: criteria provided, single submitter. Criteria: ACMG Guidelines, 2015. Collection method: clinical testing. Allele origin: germline. Observed: 1 variant allele.
Comment: BP4, PM2

Labcorp Genetics (formerly Invitae), Labcorp
Classification: Uncertain significance for Dilated cardiomyopathy 1G; Autosomal recessive limb-girdle muscular dystrophy type 2J. Last evaluated: 2022-04-24. Review status: criteria provided, single submitter. Criteria: Invitae Variant Classification Sherloc (09022015). Collection method: clinical testing. Allele origin: germline.
Comment: This variant is located in the M band of TTN (PMID: 25589632). Variants in this region may be relevant for neuromuscular disorders, but have not been definitively shown to cause cardiomyopathy (PMID: 23975875). In summary, the available evidence is currently insufficient to determine the role of this variant in disease. Therefore, it has been classified as a Variant of Uncertain Significance. Experimental studies and prediction algorithms are not available or were not evaluated, and the functional significance of this variant is currently unknown. This variant has not been reported in the literature in individuals affected with TTN-related conditions. This variant is not present in population databases (gnomAD no frequency). This sequence change replaces glutamic acid, which is acidic and polar, with lysine, which is basic and polar, at codon 35591 of the TTN protein (p.Glu35591Lys).

Literature cited by the submitters: PubMed 25589632 (cited by Labcorp Genetics (formerly Invitae), Labcorp); PubMed 23975875 (cited by Labcorp Genetics (formerly Invitae), Labcorp).

NM_001267550.2(TTN):c.106771G>A (p.Glu35591Lys)

Genes: TTN-AS1 (TTN antisense RNA 1; plus strand), TTN (titin; minus strand). Cytogenetic location: 2q31.2.
Variant type: single nucleotide variant.
Coding change: c.106771G>A on transcript NM_001267550.2 (MANE Select); coding-DNA position 106771, G replaced by A.
Protein change: p.Glu35591Lys; replaces glutamic acid 35591 with lysine.
Molecular consequence: missense variant.
Genome position (GRCh38, 1-based): chr2:178,528,980, C>T on the plus strand (G>A on the coding strand, the complement: TTN is on the minus strand). VCF-style: chr2-178528980-C-T. GRCh37 (hg19) VCF-style: chr2-179393707-C-T.
Other names: p.Glu33950Lys; c.101848G>A, p.Glu33950Lys (NM_001256850.1); c.79576G>A, p.Glu26526Lys (NM_003319.4); c.99067G>A, p.Glu33023Lys (NM_133378.4); c.79951G>A, p.Glu26651Lys (NM_133432.3); c.80152G>A, p.Glu26718Lys (NM_133437.4); short protein forms E26526K, E26651K, E26718K, E33950K, E35591K, E33023K.
Identifiers: ClinVar variation 1478893 (VCV001478893.7), dbSNP rs935554305, ClinGen allele CA60950664.
Genomic context (GRCh38, chr2:178,528,980, plus strand): 5'-CTTTAATCTCAGCATGAGTTCTGACTTCTTCTGATGCCTGTGATGTTTTAGTGATTTCCT[C>T]ATGGACAATGGATTTTTCCAGGGAGGTTGCTGCTGATTTCTTGACTTCTTCAGAAATCAG-3'
Protein context (NP_001254479.2, residues 35581-35601): ATSLEKSIVH[Glu35591Lys]EITKTSQASE